The following is an entry in ClinVar:

ClinVar aggregate classification (germline): Uncertain significance (1 of 4 stars; one submission).

Conditions:
Cutis laxa, autosomal dominant 3 (ADCL3). Identifiers: Orphanet 90348, MedGen C4225268, MONDO:0014706, OMIM 616603.
Autosomal dominant spastic paraplegia type 9. Identifiers: MedGen C1832669, MONDO:0015091.
de Barsy syndrome. Also called: Cutis laxa-corneal clouding-oligophrenia syndrome. Identifiers: Orphanet 2962, MedGen C0268354, MONDO:0017569.

Allele frequency attached by ClinVar (database versions not stated): gnomAD exomes below 0.00001.

Submission:

Labcorp Genetics (formerly Invitae), Labcorp
Classification: Uncertain significance for Autosomal dominant spastic paraplegia type 9; de Barsy syndrome; Cutis laxa, autosomal dominant 3. Last evaluated: 2024-11-13. Review status: criteria provided, single submitter. Criteria: Invitae Variant Classification Sherloc (09022015). Collection method: clinical testing. Allele origin: germline.
Comment: This sequence change replaces serine, which is neutral and polar, with glycine, which is neutral and non-polar, at codon 593 of the ALDH18A1 protein (p.Ser593Gly). This variant is present in population databases (no rsID available, gnomAD 0.0009%). This variant has not been reported in the literature in individuals affected with ALDH18A1-related conditions. ClinVar contains an entry for this variant (Variation ID: 464040). Invitae Evidence Modeling of protein sequence and biophysical properties (such as structural, functional, and spatial information, amino acid conservation, physicochemical variation, residue mobility, and thermodynamic stability) indicates that this missense variant is not expected to disrupt ALDH18A1 protein function with a negative predictive value of 95%. In summary, the available evidence is currently insufficient to determine the role of this variant in disease. Therefore, it has been classified as a Variant of Uncertain Significance.

NM_002860.4(ALDH18A1):c.1777A>G (p.Ser593Gly)

Gene: ALDH18A1 (aldehyde dehydrogenase 18 family member A1; minus strand). Cytogenetic location: 10q24.1.
Variant type: single nucleotide variant.
Coding change: c.1777A>G on transcript NM_002860.4 (MANE Select); coding-DNA position 1777, A replaced by G.
Protein change: p.Ser593Gly; replaces serine 593 with glycine.
Molecular consequence: missense variant.
Genome position (GRCh38, 1-based): chr10:95,613,990, T>C on the plus strand (A>G on the coding strand, the complement: ALDH18A1 is on the minus strand). VCF-style: chr10-95613990-T-C. GRCh37 (hg19) VCF-style: chr10-97373747-T-C.
Other names: c.1771A>G, p.Ser591Gly (NM_001017423.2, NM_001323415.2); c.1444A>G, p.Ser482Gly (NM_001323412.2, NM_001323416.2); c.1777A>G, p.Ser593Gly (NM_001323413.2, NM_001323414.2); c.1672A>G, p.Ser558Gly (NM_001323417.2); c.1438A>G, p.Ser480Gly (NM_001323418.2); c.1141A>G, p.Ser381Gly (NM_001323419.2); short protein forms S593G, S381G, S480G, S482G, S591G, S558G.
Identifiers: ClinVar variation 464040 (VCV000464040.10), dbSNP rs1231068982, ClinGen allele CA377700534.